The following is an entry in ClinVar:

ClinVar aggregate classification (germline): Benign (1 of 4 stars; one submission).

Allele frequency attached by ClinVar (database versions not stated): 1000 Genomes Project 30x 0.06761; 1000 Genomes Project 0.07029; TOPMed 0.08248; gnomAD 0.08637 and 0.08676.
gnomAD v4.1: 13,253 of 152,292 alleles (8.7%); highest among the groups gnomAD compares: South Asian, 14%; 650 homozygotes.

Submission:

GeneDx
Classification: Benign. Last evaluated: 2018-06-14. Review status: criteria provided, single submitter. Criteria: GeneDx Variant Classification (06012015). Collection method: clinical testing. Allele origin: germline. Affected: yes.
Comment: This variant is considered likely benign or benign based on one or more of the following criteria: it is a conservative change, it occurs at a poorly conserved position in the protein, it is predicted to be benign by multiple in silico algorithms, and/or has population frequency not consistent with disease.

NM_133259.4(LRPPRC):c.2505-303A>G

Gene: LRPPRC (leucine rich pentatricopeptide repeat containing; minus strand). Cytogenetic location: 2p21.
Variant type: single nucleotide variant.
Coding change: c.2505-303A>G on transcript NM_133259.4 (MANE Select); 303 bases into the intron before coding-DNA position 2505, A replaced by G.
Molecular consequence: intron variant.
Genome position (GRCh38, 1-based): chr2:43,935,181, T>C on the plus strand (A>G on the coding strand, the complement: LRPPRC is on the minus strand). VCF-style: chr2-43935181-T-C. GRCh37 (hg19) VCF-style: chr2-44162320-T-C.
Identifiers: ClinVar variation 684318 (VCV000684318.1), dbSNP rs17424646, ClinGen allele CA16096360.